The following is an entry in ClinVar:

ClinVar aggregate classification (germline): Pathogenic (1 of 4 stars; one submission).

Submission:

Labcorp Genetics (formerly Invitae), Labcorp
Classification: Pathogenic. Last evaluated: 2025-12-06. Review status: criteria provided, single submitter. Criteria: Invitae Variant Classification Sherloc (09022015). Collection method: clinical testing. Allele origin: germline.
Comment: This variant results in the deletion of part of exon 11 (c.1093+68_1106del) of the SLC34A3 gene. It is expected to disrupt RNA splicing. Variants that disrupt the donor or acceptor splice site typically lead to a loss of protein function (PMID: 16199547), and loss-of-function variants in SLC34A3 are known to be pathogenic (PMID: 16358214, 16358215, 22159077). This variant is not present in population databases (gnomAD no frequency). This variant has been observed in individuals with clinical features of hypophosphatemic rickets (internal data). ClinVar contains an entry for this variant (Variation ID: 1478875). For these reasons, this variant has been classified as Pathogenic.

Literature cited by the submitters: PubMed 16199547; PubMed 16358214; PubMed 16358215; PubMed 22159077.

NM_001177316.2(SLC34A3):c.1093+68_1106del

Gene: SLC34A3 (solute carrier family 34 member 3; plus strand). Cytogenetic location: 9q34.3.
Variant type: Deletion.
Coding change: c.1093+68_1106del on transcript NM_001177316.2 (MANE Select); 68 bases into the intron after coding-DNA position 1093 through coding-DNA position 1106, 85 bases deleted.
Molecular consequence: splice acceptor variant.
Genome position (GRCh38, 1-based): chr9:137,234,344-137,234,428, 85 bases deleted. GRCh37 (hg19): chr9:140,128,796-140,128,880.
Other names: c.1093+68_1106del (NM_001177317.2, NM_080877.3).
Identifiers: ClinVar variation 1478875 (VCV001478875.7), dbSNP rs2131416218, ClinGen allele CA2573144331.